The following is an entry in ClinVar:

ClinVar aggregate classification (germline): Likely benign. Review status: reviewed by expert panel (3 of 4 stars). 3 submissions from 3 submitters: Likely benign (1). 2 of the submissions do not count toward it. Last evaluated 2023-11-14.

Conditions:
X-linked severe combined immunodeficiency (SCIDX1). Also called: IMMUNODEFICIENCY 4; SCID, X-LINKED; SEVERE COMBINED IMMUNODEFICIENCY, X-LINKED, T CELL-NEGATIVE, B CELL-POSITIVE, NK CELL-NEGATIVE; X-Linked Combined Immunodeficiency Diseases; T-B+ severe combined immunodeficiency due to gamma chain deficiency. Identifiers: Orphanet 276, MedGen C6022468, MONDO:0010315, OMIM 300400. Disease mechanism: loss of function.

Allele frequency attached by ClinVar (database versions not stated): gnomAD exomes 0.00001 and 0.00003; gnomAD 0.00002 and 0.00005; ExAC 0.00003; TOPMed 0.00003; 1000 Genomes Project 30x 0.00021; 1000 Genomes Project 0.00026.
gnomAD v4.1: 9 of 1,207,238 alleles (0.00075%); highest among the groups gnomAD compares: East Asian, 0.027%; no homozygotes.

Submissions (3):

ClinGen Severe Combined Immunodeficiency Variant Curation Expert Panel, ClinGen
Classification: Likely benign for X-linked severe combined immunodeficiency. Last evaluated: 2023-11-14. Review status: reviewed by expert panel. Criteria: ClinGen SCID ACMG Specifications IL2RG V1.0.0. Collection method: curation. Allele origin: germline. Inheritance: X-linked inheritance.
Comment: The NM_000206.3(IL2RG):c.332T>C (p.Ile111Thr) is a missense variant that has been reported in ClinVar, without patient information, however it has not been reported in the literature to our knowledge. It occurs at an intermediate allele frequency, with a popmax filtering allele frequency in gnomAD v2.1.1 of 0.0001413 (based on 6/14830 alleles in the East Asian population) which is below the SCID VCEP established threshold of >0.00249 for BS1 and above the PM2 threshold of <0.000124. Three adult hemizygous males with this variant are present in the East Asian population in gnomADv2.1.1 (BS2). In summary, this variant is classified as Likely Benign. Criteria applied: BS2 (VCEP specifications version 1).

Labcorp Genetics (formerly Invitae), Labcorp
Classification: Benign for X-linked severe combined immunodeficiency. Last evaluated: 2025-02-03. Review status: criteria provided, single submitter. Criteria: Invitae Variant Classification Sherloc (09022015). Collection method: clinical testing. Allele origin: germline. Not counted in ClinVar's aggregate classification.

Natera, Inc.
Classification: Likely benign for X-linked severe combined immunodeficiency. Last evaluated: 2021-01-11. Review status: no assertion criteria provided. Collection method: clinical testing. Allele origin: germline. Not counted in ClinVar's aggregate classification.

NM_000206.3(IL2RG):c.332T>C (p.Ile111Thr)

Gene: IL2RG (interleukin 2 receptor subunit gamma; minus strand). Cytogenetic location: Xq13.1.
Variant type: single nucleotide variant.
Coding change: c.332T>C on transcript NM_000206.3 (MANE Select); coding-DNA position 332, T replaced by C.
Protein change: p.Ile111Thr; replaces isoleucine 111 with threonine.
Molecular consequence: missense variant.
Genome position (GRCh38, 1-based): chrX:71,110,626, A>G on the plus strand (T>C on the coding strand, the complement: IL2RG is on the minus strand). VCF-style: chrX-71110626-A-G. GRCh37 (hg19) VCF-style: chrX-70330476-A-G.
Other names: NM_000206.3(IL2RG):c.332T>C; p.Ile111Thr; short protein forms I111T.
Identifiers: ClinVar variation 795305 (VCV000795305.13), dbSNP rs778229878, ClinGen allele CA10443887.